The following is an entry in ClinVar:

NM_015378.4(VPS13D):c.2856G>A (p.Ser952=)

Gene: VPS13D (vacuolar protein sorting 13 homolog D; plus strand). Cytogenetic location: 1p36.22.
Variant type: single nucleotide variant.
Coding change: c.2856G>A on transcript NM_015378.4 (MANE Select); coding-DNA position 2856, G replaced by A.
Protein change: p.Ser952=; no amino-acid change (serine 952 retained).
Molecular consequence: synonymous variant.
Genome position (GRCh38, 1-based): chr1:12,276,444, G>A. VCF-style: chr1-12276444-G-A. GRCh37 (hg19) VCF-style: chr1-12336501-G-A.
Other names: c.2856G>A (NM_015378.3); c.2856G>A, p.Ser952= (NM_018156.4).
Identifiers: ClinVar variation 2063910 (VCV002063910.6), dbSNP rs137965762, ClinGen allele CA601881.

ClinVar aggregate classification (germline): Benign. Review status: criteria provided, single submitter (1 of 4 stars). 2 submissions from 2 submitters: Benign (1). 1 of the submissions does not count toward it. Last evaluated 2025-11-03.

Conditions:
VPS13D-related disorder. Also called: VPS13D-related condition.

Allele frequency attached by ClinVar (database versions not stated): 1000 Genomes Project 30x 0.00016; 1000 Genomes Project 0.00020; ESP Exome Variant Server 0.00031.
gnomAD v4.1: 331 of 1,614,144 alleles (0.021%); highest among the groups gnomAD compares: South Asian, 0.2%; 4 homozygotes.

Submissions (2):

Labcorp Genetics (formerly Invitae), Labcorp
Classification: Benign. Last evaluated: 2025-11-03. Review status: criteria provided, single submitter. Criteria: Invitae Variant Classification Sherloc (09022015). Collection method: clinical testing. Allele origin: germline.

PreventionGenetics, part of Exact Sciences
Classification: Likely benign for VPS13D-related condition. Last evaluated: 2019-04-08. Review status: no assertion criteria provided. Collection method: clinical testing. Allele origin: germline. Not counted in ClinVar's aggregate classification.
Comment: This variant is classified as likely benign based on ACMG/AMP sequence variant interpretation guidelines (Richards et al. 2015 PMID: 25741868, with internal and published modifications).